The following is an entry in ClinVar:

NM_001165963.4(SCN1A):c.2904C>A (p.Cys968Ter)

Gene: SCN1A (sodium voltage-gated channel alpha subunit 1; minus strand). Cytogenetic location: 2q24.3.
Variant type: single nucleotide variant.
Coding change: c.2904C>A on transcript NM_001165963.4 (MANE Select); coding-DNA position 2904, C replaced by A.
Protein change: p.Cys968Ter; replaces cysteine 968 with a stop codon.
Molecular consequence: nonsense. On other transcripts: non-coding transcript variant (1).
Genome position (GRCh38, 1-based): chr2:166,037,818, G>T on the plus strand (C>A on the coding strand, the complement: SCN1A is on the minus strand). VCF-style: chr2-166037818-G-T. GRCh37 (hg19) VCF-style: chr2-166894328-G-T.
Other names: c.2820C>A, p.Cys940Ter (NM_001165964.3, NM_001353957.2, NM_001353958.2); c.2904C>A, p.Cys968Ter (NM_001202435.3, NM_001353948.2); c.2871C>A, p.Cys957Ter (NM_001353949.2, NM_001353950.2, NM_001353951.2 and 2 more transcripts); c.2868C>A, p.Cys956Ter (NM_001353954.2, NM_001353955.2); c.2817C>A, p.Cys939Ter (NM_001353960.2); c.462C>A, p.Cys154Ter (NM_001353961.2); c.2904C>A (NM_001165963.1); short protein forms C154*, C939*, C940*, C956*, C957*, C968*.
Identifiers: ClinVar variation 1074595 (VCV001074595.9), dbSNP rs922757507, ClinGen allele CA349060906.

ClinVar aggregate classification (germline): Pathogenic. Review status: criteria provided, multiple submitters, no conflicts (2 of 4 stars). 2 submissions from 2 submitters: Pathogenic (2). Last evaluated 2025-12-08.

Conditions:
Early-infantile DEE. Also called: Ohtahara syndrome; Early infantile epileptic encephalopathy with suppression bursts; Early infantile epileptic encephalopathy. Identifiers: Orphanet 1934, MedGen C0393706, MONDO:0800491.

Submissions (2):

Labcorp Genetics (formerly Invitae), Labcorp
Classification: Pathogenic for Early-infantile DEE. Last evaluated: 2025-12-08. Review status: criteria provided, single submitter. Criteria: Invitae Variant Classification Sherloc (09022015). Collection method: clinical testing. Allele origin: germline.
Comment: This sequence change creates a premature translational stop signal (p.Cys968*) in the SCN1A gene. It is expected to result in an absent or disrupted protein product. Loss-of-function variants in SCN1A are known to be pathogenic (PMID: 17347258, 18930999). This variant is not present in population databases (gnomAD no frequency). This premature translational stop signal has been observed in individual(s) with Dravet syndrome (PMID: 18930999, 23195492, 39299018). ClinVar contains an entry for this variant (Variation ID: 1074595). For these reasons, this variant has been classified as Pathogenic.

GeneDx
Classification: Pathogenic. Last evaluated: 2025-01-27. Review status: criteria provided, single submitter. Criteria: GeneDx Variant Classification Process June 2021. Collection method: clinical testing. Allele origin: germline. Affected: yes.
Comment: Nonsense variant predicted to result in protein truncation or nonsense mediated decay in a gene for which loss of function is a known mechanism of disease; Not observed at significant frequency in large population cohorts (gnomAD); This variant is associated with the following publications: (PMID: 25525159, 18930999, 32090326, 35074891, 23195492)

Literature cited by the submitters: PubMed 17347258 (cited by Labcorp Genetics (formerly Invitae), Labcorp); PubMed 18930999 (cited by Labcorp Genetics (formerly Invitae), Labcorp); PubMed 23195492 (cited by Labcorp Genetics (formerly Invitae), Labcorp); PubMed 39299018 (cited by Labcorp Genetics (formerly Invitae), Labcorp).